The following is an entry in ClinVar:

NM_001277115.2(DNAH11):c.6922C>T (p.Pro2308Ser)

Gene: DNAH11 (dynein axonemal heavy chain 11; plus strand). Cytogenetic location: 7p15.3.
Variant type: single nucleotide variant.
Coding change: c.6922C>T on transcript NM_001277115.2 (MANE Select); coding-DNA position 6922, C replaced by T.
Protein change: p.Pro2308Ser; replaces proline 2308 with serine.
Molecular consequence: missense variant.
Genome position (GRCh38, 1-based): chr7:21,711,799, C>T. VCF-style: chr7-21711799-C-T. GRCh37 (hg19) VCF-style: chr7-21751417-C-T.
Other names: short protein forms P2308S.
Identifiers: ClinVar variation 4743727 (VCV004743727.1).
Genomic context (GRCh38, chr7:21,711,799, plus strand): 5'-ATTGCACTCACTCCCTTCATGAGGCTTCTGTTTGAGATACATCACTTAAGGAGCGCAACC[C>T]CGGCCACTGTTTCCAGAGCTGGTATTCTGTATGTGAACCCACAAGATCTGGGCTGGAATC-3'
Protein context (NP_001264044.1, residues 2298-2318): FEIHHLRSAT[Pro2308Ser]ATVSRAGILY

ClinVar aggregate classification (germline): Uncertain significance (1 of 4 stars; one submission).

Conditions:
Primary ciliary dyskinesia. Also called: Ciliary dyskinesia. Identifiers: Orphanet 244, MedGen C0008780, MONDO:0016575, HP:0012265.

gnomAD v4.1: 5 of 1,613,742 alleles (0.00031%); highest among the groups gnomAD compares: Non-Finnish European, 0.00042%; no homozygotes.

Submission:

Labcorp Genetics (formerly Invitae), Labcorp
Classification: Uncertain significance for Primary ciliary dyskinesia. Last evaluated: 2025-09-15. Review status: criteria provided, single submitter. Criteria: Invitae Variant Classification Sherloc (09022015). Collection method: clinical testing. Allele origin: germline.
Comment: This sequence change replaces proline, which is neutral and non-polar, with serine, which is neutral and polar, at codon 2308 of the DNAH11 protein (p.Pro2308Ser). This variant is present in population databases (no rsID available, gnomAD 0.0009%). This variant has not been reported in the literature in individuals affected with DNAH11-related conditions. Invitae Evidence Modeling of protein sequence and biophysical properties (such as structural, functional, and spatial information, amino acid conservation, physicochemical variation, residue mobility, and thermodynamic stability) has been performed for this missense variant. However, the output from this modeling did not meet the statistical confidence thresholds required to predict the impact of this variant on DNAH11 protein function. In summary, the available evidence is currently insufficient to determine the role of this variant in disease. Therefore, it has been classified as a Variant of Uncertain Significance.